The following is an entry in ClinVar:

ClinVar aggregate classification (germline): Uncertain significance (1 of 4 stars; one submission).

Allele frequency attached by ClinVar (database versions not stated): ExAC 0.00001; gnomAD exomes 0.00001 and 0.00002; gnomAD 0.00002 and 0.00003; TOPMed 0.00004.
gnomAD v4.1: 38 of 1,614,094 alleles (0.0024%); highest among the groups gnomAD compares: Non-Finnish European, 0.003%; no homozygotes.

Submission:

Labcorp Genetics (formerly Invitae), Labcorp
Classification: Uncertain significance. Last evaluated: 2021-11-19. Review status: criteria provided, single submitter. Criteria: Invitae Variant Classification Sherloc (09022015). Collection method: clinical testing. Allele origin: germline.
Comment: In summary, the available evidence is currently insufficient to determine the role of this variant in disease. Therefore, it has been classified as a Variant of Uncertain Significance. Algorithms developed to predict the effect of missense changes on protein structure and function output the following: SIFT: "Tolerated"; PolyPhen-2: "Benign"; Align-GVGD: "Class C0". The threonine amino acid residue is found in multiple mammalian species, which suggests that this missense change does not adversely affect protein function. This variant has not been reported in the literature in individuals affected with PCARE-related conditions. This variant is present in population databases (rs759843150, gnomAD 0.002%). This sequence change replaces serine, which is neutral and polar, with threonine, which is neutral and polar, at codon 658 of the PCARE protein (p.Ser658Thr).

NM_001029883.3(PCARE):c.1973G>C (p.Ser658Thr)

Gene: PCARE (photoreceptor cilium actin regulator; minus strand). Cytogenetic location: 2p23.2.
Variant type: single nucleotide variant.
Coding change: c.1973G>C on transcript NM_001029883.3 (MANE Select); coding-DNA position 1973, G replaced by C.
Protein change: p.Ser658Thr; replaces serine 658 with threonine.
Molecular consequence: missense variant.
Genome position (GRCh38, 1-based): chr2:29,072,289, C>G on the plus strand (G>C on the coding strand, the complement: PCARE is on the minus strand). VCF-style: chr2-29072289-C-G. GRCh37 (hg19) VCF-style: chr2-29295155-C-G.
Other names: short protein forms S658T.
Identifiers: ClinVar variation 1396940 (VCV001396940.6), dbSNP rs759843150, ClinGen allele CA1592309.